The following is an entry in ClinVar:

ClinVar aggregate classification (germline): Uncertain significance. Review status: criteria provided, multiple submitters, no conflicts (2 of 4 stars). 2 submissions from 2 submitters: Uncertain significance (2). Last evaluated 2025-08-12.

Conditions:
Inborn genetic diseases. Identifiers: MedGen C0950123, MeSH D030342.

gnomAD v4.1: 5 of 1,608,120 alleles (0.00031%); highest among the groups gnomAD compares: Non-Finnish European, 0.00043%; no homozygotes.

Submissions (2):

Labcorp Genetics (formerly Invitae), Labcorp
Classification: Uncertain significance. Last evaluated: 2025-08-12. Review status: criteria provided, single submitter. Criteria: Invitae Variant Classification Sherloc (09022015). Collection method: clinical testing. Allele origin: germline.
Comment: This sequence change replaces glutamic acid, which is acidic and polar, with aspartic acid, which is acidic and polar, at codon 1666 of the ANKRD26 protein (p.Glu1666Asp). This variant is present in population databases (rs374115626, gnomAD 0.0009%). This variant has not been reported in the literature in individuals affected with ANKRD26-related conditions. ClinVar contains an entry for this variant (Variation ID: 3717373). An algorithm developed to predict the effect of missense changes on protein structure and function (PolyPhen-2) suggests that this variant is likely to be tolerated. In summary, the available evidence is currently insufficient to determine the role of this variant in disease. Therefore, it has been classified as a Variant of Uncertain Significance.

Ambry Genetics
Classification: Uncertain significance for Inborn genetic diseases. Last evaluated: 2024-12-25. Review status: criteria provided, single submitter. Criteria: Ambry Variant Classification Scheme 2023. Collection method: clinical testing. Allele origin: germline.
Comment: The p.E1666D variant (also known as c.4998A>C), located in coding exon 33 of the ANKRD26 gene, results from an A to C substitution at nucleotide position 4998. The glutamic acid at codon 1666 is replaced by aspartic acid, an amino acid with highly similar properties. This amino acid position is conserved. In addition, this alteration is predicted to be tolerated by in silico analysis. Based on the available evidence, the clinical significance of this variant remains unclear.

NM_014915.3(ANKRD26):c.4998A>C (p.Glu1666Asp)

Gene: ANKRD26 (ankyrin repeat domain 26; minus strand). Cytogenetic location: 10p12.1.
Variant type: single nucleotide variant.
Coding change: c.4998A>C on transcript NM_014915.3 (MANE Select); coding-DNA position 4998, A replaced by C.
Protein change: p.Glu1666Asp; replaces glutamic acid 1666 with aspartic acid.
Molecular consequence: missense variant.
Genome position (GRCh38, 1-based): chr10:27,006,918, T>G on the plus strand (A>C on the coding strand, the complement: ANKRD26 is on the minus strand). VCF-style: chr10-27006918-T-G. GRCh37 (hg19) VCF-style: chr10-27295847-T-G.
Other names: c.4995A>C, p.Glu1665Asp (NM_001256053.2); short protein forms E1666D, E1665D.
Identifiers: ClinVar variation 3717373 (VCV003717373.3).